The following is an entry in ClinVar:

ClinVar aggregate classification (germline): Uncertain significance (1 of 4 stars; one submission).

Conditions:
Familial episodic pain syndrome with predominantly lower limb involvement. Also called: Episodic pain syndrome, familial, 3. Identifiers: Orphanet 391384, Orphanet 391392, MedGen C3809899, MONDO:0014247, OMIM 615552.
Hereditary sensory and autonomic neuropathy type 7. Also called: Neuropathy, hereditary sensory and autonomic, type VII; HSAN VII. Identifiers: Orphanet 391397, MedGen C3809882, MONDO:0014244, OMIM 615548.

gnomAD v4.1: 6 of 1,613,986 alleles (0.00037%); highest among the groups gnomAD compares: Non-Finnish European, 0.00051%; no homozygotes.

Submission:

Labcorp Genetics (formerly Invitae), Labcorp
Classification: Uncertain significance for Familial episodic pain syndrome with predominantly lower limb involvement; Hereditary sensory and autonomic neuropathy type 7. Last evaluated: 2023-05-26. Review status: criteria provided, single submitter. Criteria: Invitae Variant Classification Sherloc (09022015). Collection method: clinical testing. Allele origin: germline.
Comment: Advanced modeling of protein sequence and biophysical properties (such as structural, functional, and spatial information, amino acid conservation, physicochemical variation, residue mobility, and thermodynamic stability) performed at Invitae indicates that this missense variant is not expected to disrupt SCN11A protein function. This variant has not been reported in the literature in individuals affected with SCN11A-related conditions. This variant is not present in population databases (gnomAD no frequency). This sequence change replaces alanine, which is neutral and non-polar, with serine, which is neutral and polar, at codon 1688 of the SCN11A protein (p.Ala1688Ser). In summary, the available evidence is currently insufficient to determine the role of this variant in disease. Therefore, it has been classified as a Variant of Uncertain Significance.

NM_001349253.2(SCN11A):c.5062G>T (p.Ala1688Ser)

Gene: SCN11A (sodium voltage-gated channel alpha subunit 11; minus strand). Cytogenetic location: 3p22.2.
Variant type: single nucleotide variant.
Coding change: c.5062G>T on transcript NM_001349253.2 (MANE Select); coding-DNA position 5062, G replaced by T.
Protein change: p.Ala1688Ser; replaces alanine 1688 with serine.
Molecular consequence: missense variant.
Genome position (GRCh38, 1-based): chr3:38,847,008, C>A on the plus strand (G>T on the coding strand, the complement: SCN11A is on the minus strand). VCF-style: chr3-38847008-C-A. GRCh37 (hg19) VCF-style: chr3-38888499-C-A.
Other names: c.5062G>T, p.Ala1688Ser (NM_014139.3); short protein forms A1688S.
Identifiers: ClinVar variation 2927704 (VCV002927704.3), dbSNP rs748885752, ClinGen allele CA352161443.
Genomic context (GRCh38, chr3:38,847,008, plus strand): 5'-CCATCATTGCTTTCATACTATCTAGGCCATCAGAGCCACCGAGTACCCTAGCGGTGAAGG[C>A]GAAAAGAATATCCATGCAGTGGAGGCGATCTTCACTCACCATGGGCAAGTCCATTACTAG-3'
Protein context (NP_001336182.1, residues 1678-1698): DRLHCMDILF[Ala1688Ser]FTARVLGGSD